The following is an entry in ClinVar:

NM_021620.4(PRDM13):c.1187C>G (p.Pro396Arg)

Gene: PRDM13 (PR/SET domain 13; plus strand). Cytogenetic location: 6q16.2.
Variant type: single nucleotide variant.
Coding change: c.1187C>G on transcript NM_021620.4 (MANE Select); coding-DNA position 1187, C replaced by G.
Protein change: p.Pro396Arg; replaces proline 396 with arginine.
Molecular consequence: missense variant.
Genome position (GRCh38, 1-based): chr6:99,613,822, C>G. VCF-style: chr6-99613822-C-G. GRCh37 (hg19) VCF-style: chr6-100061698-C-G.
Other names: c.1187C>G (NM_021620.3); short protein forms P396R.
Identifiers: ClinVar variation 1501135 (VCV001501135.9), dbSNP rs527649781, ClinGen allele CA365117885.

ClinVar aggregate classification (germline): Uncertain significance. Review status: criteria provided, multiple submitters, no conflicts (2 of 4 stars). 2 submissions from 2 submitters: Uncertain significance (2). Last evaluated 2024-08-12.

Conditions:
Inborn genetic diseases. Identifiers: MedGen C0950123, MeSH D030342.

Allele frequency attached by ClinVar (database versions not stated): TOPMed 0.00002.
gnomAD v4.1: 76 of 1,511,136 alleles (0.005%); highest among the groups gnomAD compares: East Asian, 0.037%; no homozygotes.

Submissions (2):

Ambry Genetics
Classification: Uncertain significance for Inborn genetic diseases. Last evaluated: 2024-08-12. Review status: criteria provided, single submitter. Criteria: Ambry Variant Classification Scheme 2023. Collection method: clinical testing. Allele origin: germline.

Labcorp Genetics (formerly Invitae), Labcorp
Classification: Uncertain significance. Last evaluated: 2023-07-29. Review status: criteria provided, single submitter. Criteria: Invitae Variant Classification Sherloc (09022015). Collection method: clinical testing. Allele origin: germline.
Comment: This variant is present in population databases (no rsID available, gnomAD 0.03%). In summary, the available evidence is currently insufficient to determine the role of this variant in disease. Therefore, it has been classified as a Variant of Uncertain Significance. An algorithm developed to predict the effect of missense changes on protein structure and function (PolyPhen-2) suggests that this variant is likely to be tolerated. ClinVar contains an entry for this variant (Variation ID: 1501135). This variant has not been reported in the literature in individuals affected with PRDM13-related conditions. This sequence change replaces proline, which is neutral and non-polar, with arginine, which is basic and polar, at codon 396 of the PRDM13 protein (p.Pro396Arg).